The following is an entry in ClinVar:

ClinVar aggregate classification (germline): Conflicting classifications of pathogenicity. Review status: criteria provided, conflicting classifications (1 of 4 stars). 3 submissions from 3 submitters: Uncertain significance (1); Likely benign (1). 1 of the submissions does not count toward it. Last evaluated 2026-02-01.

Conditions:
KMT2D-related disorder. Also called: KMT2D-Related Disorders.
Kabuki syndrome. Also called: Kabuki make-up syndrome; NIIKAWA-KUROKI SYNDROME. Identifiers: Orphanet 2322, MedGen C0796004, MONDO:0016512.
Kabuki syndrome 1 (KABUK1). Also called: KMT2D-Related Kabuki Syndrome. Identifiers: Orphanet 2322, MedGen CN030661, MONDO:0007843, OMIM 147920.

Allele frequency attached by ClinVar (database versions not stated): gnomAD 0.00001; TOPMed 0.00001; ExAC 0.00002; gnomAD exomes 0.00002 and 0.00003.
gnomAD v4.1: 40 of 1,607,554 alleles (0.0025%); highest among the groups gnomAD compares: Non-Finnish European, 0.0032%; no homozygotes.

Submissions (3):

Labcorp Genetics (formerly Invitae), Labcorp
Classification: Likely benign for Kabuki syndrome. Last evaluated: 2026-02-01. Review status: criteria provided, single submitter. Criteria: Invitae Variant Classification Sherloc (09022015). Collection method: clinical testing. Allele origin: germline.

Genetic Services Laboratory, University of Chicago
Classification: Uncertain significance for Kabuki syndrome 1. Last evaluated: 2013-02-08. Review status: criteria provided, single submitter. Criteria: ACMG Guidelines, 2007. Collection method: clinical testing. Allele origin: germline. Inheritance: Autosomal dominant inheritance.

PreventionGenetics, part of Exact Sciences
Classification: Likely benign for KMT2D-related condition. Last evaluated: 2021-08-16. Review status: no assertion criteria provided. Collection method: clinical testing. Allele origin: germline. Not counted in ClinVar's aggregate classification.
Comment: This variant is classified as likely benign based on ACMG/AMP sequence variant interpretation guidelines (Richards et al. 2015 PMID: 25741868, with internal and published modifications).

NM_003482.4(KMT2D):c.4123C>T (p.Leu1375=)

Gene: KMT2D (lysine methyltransferase 2D; minus strand). Cytogenetic location: 12q13.12.
Variant type: single nucleotide variant.
Coding change: c.4123C>T on transcript NM_003482.4 (MANE Select); coding-DNA position 4123, C replaced by T.
Protein change: p.Leu1375=; no amino-acid change (leucine 1375 retained).
Molecular consequence: synonymous variant.
Genome position (GRCh38, 1-based): chr12:49,048,667, G>A on the plus strand (C>T on the coding strand, the complement: KMT2D is on the minus strand). VCF-style: chr12-49048667-G-A. GRCh37 (hg19) VCF-style: chr12-49442450-G-A.
Identifiers: ClinVar variation 158765 (VCV000158765.15), dbSNP rs1368572, ClinGen allele CA271636.
Genomic context (GRCh38, chr12:49,048,667, plus strand): 5'-CCAAACACACACATACACAATGTTCAGTGTGCCAGGTCTCACTGTATGGTACCTGCATTA[G>A]GACAAATTTGTCTGTGTTGGAGAAGAGAACCACGGTATTCTGCATGGTGTCATCATCTTC-3'
Protein context (NP_003473.3, residues 1365-1385): VLFSNTDKFV[Leu1375=]MQDMCVVCGS